The following is an entry in ClinVar:

ClinVar aggregate classification (germline): Pathogenic (1 of 4 stars; one submission).

Conditions:
Retinitis pigmentosa 25 (RP25). Identifiers: Orphanet 791, MedGen C1864446, MONDO:0011272, OMIM 602772.

Submission:

Myriad Genetics, Inc.
Classification: Pathogenic for Retinitis pigmentosa 25. Last evaluated: 2024-05-14. Review status: criteria provided, single submitter. Criteria: Myriad Autosomal Dominant, Autosomal Recessive and X-Linked Classification Criteria (2023). Collection method: clinical testing. Allele origin: unknown.
Comment: NM_001142800.1(EYS):c.4712C>G(S1571*) is expected to be pathogenic in the context of retinitis pigmentosa, EYS-related. This variant is predicted to lead to an abnormal or absent protein product due to the creation of a premature termination codon in EYS, a gene where loss-of-function variants are known to be pathogenic. Please note: this variant was assessed in the context of healthy population screening.

NM_001142800.2(EYS):c.4712C>G (p.Ser1571Ter)

Gene: EYS (EGF-like photoreceptor maintenance factor; minus strand). Cytogenetic location: 6q12.
Variant type: single nucleotide variant.
Coding change: c.4712C>G on transcript NM_001142800.2 (MANE Select); coding-DNA position 4712, C replaced by G.
Protein change: p.Ser1571Ter; replaces serine 1571 with a stop codon.
Molecular consequence: nonsense.
Genome position (GRCh38, 1-based): chr6:64,591,155, G>C on the plus strand (C>G on the coding strand, the complement: EYS is on the minus strand). VCF-style: chr6-64591155-G-C. GRCh37 (hg19) VCF-style: chr6-65301048-G-C.
Other names: c.4712C>G, p.Ser1571Ter (NM_001292009.2); short protein forms S1571*.
Identifiers: ClinVar variation 5010898 (VCV005010898.1).